The following is an entry in ClinVar:

NM_013275.6(ANKRD11):c.500G>A (p.Arg167His)

Gene: ANKRD11 (ankyrin repeat domain containing 11; minus strand). Cytogenetic location: 16q24.3.
Variant type: single nucleotide variant.
Coding change: c.500G>A on transcript NM_013275.6 (MANE Select); coding-DNA position 500, G replaced by A.
Protein change: p.Arg167His; replaces arginine 167 with histidine.
Molecular consequence: missense variant. On other transcripts: non-coding transcript variant (1).
Genome position (GRCh38, 1-based): chr16:89,290,726, C>T on the plus strand (G>A on the coding strand, the complement: ANKRD11 is on the minus strand). VCF-style: chr16-89290726-C-T. GRCh37 (hg19) VCF-style: chr16-89357134-C-T.
Other names: c.500G>A, p.Arg167His (NM_001256182.2, NM_001256183.2); short protein forms R167H.
Identifiers: ClinVar variation 1698013 (VCV001698013.2), dbSNP rs753840915, ClinGen allele CA8243075.
Genomic context (GRCh38, chr16:89,290,726, plus strand): 5'-AGCTCTTTGATGCGCCGGGCGTCCCCGCGGATGGCGGCTCGGTGCAGGCGGGTCTCTCCA[C>T]GCTCGTTTCTCTTGTTCACTTTATCTTTGGTTTTTGAGGCAGAGTTGGGCGTTCCCTTCT-3'
Protein context (NP_037407.4, residues 157-177): TKDKVNKRNE[Arg167His]GETRLHRAAI

ClinVar aggregate classification (germline): Uncertain significance (1 of 4 stars; one submission).

Allele frequency attached by ClinVar (database versions not stated): ExAC 0.00002; gnomAD exomes 0.00002.
gnomAD v4.1: 10 of 1,613,778 alleles (0.00062%); highest among the groups gnomAD compares: Non-Finnish European, 0.00085%; no homozygotes.

Submission:

GeneDx
Classification: Uncertain significance. Last evaluated: 2022-07-12. Review status: criteria provided, single submitter. Criteria: GeneDx Variant Classification Process June 2021. Collection method: clinical testing. Allele origin: germline. Affected: yes.
Comment: Not observed at significant frequency in large population cohorts (gnomAD); In silico analysis supports that this missense variant has a deleterious effect on protein structure/function; Has not been previously published as pathogenic or benign to our knowledge